The following is an entry in ClinVar:

NM_000535.7(PMS2):c.904-2A>C

Gene: PMS2 (PMS1 homolog 2, mismatch repair system component; minus strand). Cytogenetic location: 7p22.1.
Variant type: single nucleotide variant.
Coding change: c.904-2A>C on transcript NM_000535.7 (MANE Select); the canonical splice acceptor site of the intron before coding-DNA position 904, A replaced by C.
Molecular consequence: splice acceptor variant. On other transcripts: intron variant (1).
Genome position (GRCh38, 1-based): chr7:5,992,059, T>G on the plus strand (A>C on the coding strand, the complement: PMS2 is on the minus strand). VCF-style: chr7-5992059-T-G. GRCh37 (hg19) VCF-style: chr7-6031690-T-G.
Other names: c.904-2A>C (NM_001406871.1, NM_001322014.2, NM_001322006.2 and 2 more transcripts); c.595-2A>C (NM_001406878.1, NM_001406882.1, NM_001406875.1 and 6 more transcripts); c.928-2A>C (NM_001406868.1); c.499-2A>C (NM_001406891.1, NM_001406899.1, NM_001406893.1 and 19 more transcripts); c.1090-2A>C (NM_001406866.1); c.586-2A>C (NM_001322008.2, NM_001406902.1, NM_001406883.1 and 4 more transcripts); c.133-2A>C (NM_001406911.1); c.391-2A>C (NM_001406904.1, NM_001406905.1); and 8 more.
Identifiers: ClinVar variation 480344 (VCV000480344.7), dbSNP rs587781339, ClinGen allele CA366743230.
Genomic context (GRCh38, chr7:5,992,059, plus strand): 5'-ACAAATGGATACTGGTGTCGATTATACATGTGGTAGACCTCATTCACGAGTCTGCAGACC[T>G]GCACAAAATACAAGGAGTAGAAAAGAATAAATGACAAATGTTCCCAGCCCCCCGCATTCT-3'

ClinVar aggregate classification (germline): Likely pathogenic. Review status: criteria provided, multiple submitters, no conflicts (2 of 4 stars). 2 submissions from 2 submitters: Likely pathogenic (2). Last evaluated 2024-07-01.

Conditions:
Hereditary cancer-predisposing syndrome. Also called: Hereditary Cancer Syndrome; Neoplastic Syndromes, Hereditary; Tumor predisposition; Hereditary neoplastic syndrome. Identifiers: Orphanet 140162, MedGen C0027672, MeSH D009386, MONDO:0015356.
Lynch syndrome 4 (LYNCH4). Also called: Colorectal cancer, hereditary nonpolyposis, type 4; Hereditary non-polyposis colorectal cancer, type 4. Identifiers: Orphanet 144, MedGen C1838333, MONDO:0013699, OMIM 614337. Disease mechanism: loss of function.

Submissions (2):

Ambry Genetics
Classification: Likely pathogenic for Hereditary cancer-predisposing syndrome. Last evaluated: 2024-07-01. Review status: criteria provided, single submitter. Criteria: Ambry Variant Classification Scheme 2023. Collection method: clinical testing. Allele origin: germline.
Comment: The c.904-2A>C intronic variant results from an A to C substitution two nucleotides upstream from coding exon 9 in the PMS2 gene. This nucleotide position is highly conserved in available vertebrate species. This variant is considered to be rare based on population cohorts in the Genome Aggregation Database (gnomAD). In silico splice site analysis predicts that this alteration will weaken the native splice acceptor site and will result in the creation or strengthening of a novel splice acceptor site; however, direct evidence is insufficient at this time (Ambry internal data). Alterations that disrupt the canonical splice site are expected to cause aberrant splicing, resulting in an abnormal protein or a transcript that is subject to nonsense-mediated mRNA decay. As such, this alteration is classified as likely pathogenic.

Myriad Genetics, Inc.
Classification: Likely pathogenic for Lynch syndrome 4. Last evaluated: 2023-09-19. Review status: criteria provided, single submitter. Criteria: Myriad Autosomal Dominant, Autosomal Recessive and X-Linked Classification Criteria (2023). Collection method: clinical testing. Allele origin: unknown.
Comment: This variant is considered likely pathogenic. This variant occurs within a consensus splice junction and is predicted to result in abnormal mRNA splicing of either an out-of-frame exon or an in-frame exon necessary for protein stability and/or normal function.